The following is an entry in ClinVar:

ClinVar aggregate classification (germline): Benign (1 of 4 stars; one submission).

Submission:

GeneDx
Classification: Benign. Last evaluated: 2018-06-19. Review status: criteria provided, single submitter. Criteria: GeneDx Variant Classification (06012015). Collection method: clinical testing. Allele origin: germline. Affected: yes.
Comment: This variant is considered likely benign or benign based on one or more of the following criteria: it is a conservative change, it occurs at a poorly conserved position in the protein, it is predicted to be benign by multiple in silico algorithms, and/or has population frequency not consistent with disease.

NM_018136.5(ASPM):c.2173+76del

Gene: ASPM (assembly factor for spindle microtubules; minus strand). Cytogenetic location: 1q31.3.
Variant type: Deletion.
Coding change: c.2173+76del on transcript NM_018136.5 (MANE Select); 76 bases into the intron after coding-DNA position 2173, one base deleted (T; older notation c.2173+76delT).
Molecular consequence: intron variant.
Genome position (GRCh38, 1-based): chr1:197,135,020, A deleted on the plus strand (T on the coding strand, the reverse complement: ASPM is on the minus strand); the first of 3 consecutive A bases (chr1:197,135,020-197,135,022); deleting any one gives the same sequence. VCF-style (leftmost placement, unchanged base first): chr1-197135019-TA-T. GRCh37 (hg19) VCF-style: chr1-197104149-TA-T.
Other names: c.2173+76del (NM_001206846.2).
Identifiers: ClinVar variation 673908 (VCV000673908.1), dbSNP rs35659894, ClinGen allele CA35857495.